The following is an entry in ClinVar:

ClinVar aggregate classification (germline): Likely benign. Review status: criteria provided, multiple submitters, no conflicts (2 of 4 stars). 3 submissions from 3 submitters: Likely benign (3). Last evaluated 2026-01-02.

Conditions:
RPGRIP1-related disorder. Also called: RPGRIP1-related condition.
Leber congenital amaurosis 6 (LCA6). Identifiers: Orphanet 65, MedGen C1854260, MONDO:0013446, OMIM 613826.
Cone-rod dystrophy 13 (CORD13). Identifiers: Orphanet 1872, MedGen C2750720, MONDO:0011987, OMIM 608194.

Allele frequency attached by ClinVar (database versions not stated): gnomAD 0.00002 and 0.00007; gnomAD exomes 0.00015 and 0.00022; 1000 Genomes Project 30x 0.00016; TOPMed 0.00018; 1000 Genomes Project 0.00020; ExAC 0.00039.
gnomAD v4.1: 215 of 1,605,176 alleles (0.013%); highest among the groups gnomAD compares: East Asian, 0.47%; 1 homozygote.

Submissions (3):

Labcorp Genetics (formerly Invitae), Labcorp
Classification: Likely benign for Leber congenital amaurosis 6; Cone-rod dystrophy 13. Last evaluated: 2026-01-02. Review status: criteria provided, single submitter. Criteria: Invitae Variant Classification Sherloc (09022015). Collection method: clinical testing. Allele origin: germline.

PreventionGenetics, part of Exact Sciences
Classification: Likely benign for RPGRIP1-related condition. Last evaluated: 2025-12-01. Review status: criteria provided, single submitter. Criteria: ACMG Guidelines, 2015. Collection method: clinical testing. Allele origin: germline.
Comment: This variant is classified as likely benign based on ACMG/AMP sequence variant interpretation guidelines (Richards et al. 2015 PMID: 25741868, with internal and published modifications).

Blueprint Genetics
Classification: Likely benign. Last evaluated: 2022-08-08. Review status: criteria provided, single submitter. Criteria: ACMG Guidelines, 2015. Collection method: clinical testing. Allele origin: germline.

NM_020366.4(RPGRIP1):c.1295C>T (p.Ser432Phe)

Gene: RPGRIP1 (RPGR interacting protein 1; plus strand). Cytogenetic location: 14q11.2.
Variant type: single nucleotide variant.
Coding change: c.1295C>T on transcript NM_020366.4 (MANE Select); coding-DNA position 1295, C replaced by T.
Protein change: p.Ser432Phe; replaces serine 432 with phenylalanine.
Molecular consequence: missense variant.
Genome position (GRCh38, 1-based): chr14:21,317,839, C>T. VCF-style: chr14-21317839-C-T. GRCh37 (hg19) VCF-style: chr14-21785998-C-T.
Other names: c.221C>T, p.Ser74Phe (NM_001377523.1, NM_001377948.1, NM_001377949.1 and 1 more transcripts); short protein forms S432F, S74F.
Identifiers: ClinVar variation 774384 (VCV000774384.13), dbSNP rs190985984, ClinGen allele CA7088925.